The following is an entry in ClinVar:

ClinVar aggregate classification (germline): Benign/Likely benign. Review status: criteria provided, multiple submitters, no conflicts (2 of 4 stars). 7 submissions from 7 submitters: Benign (5); Likely benign (1). 1 of the submissions does not count toward it. Last evaluated 2026-01-26.

Conditions:
HUWE1-related disorder. Also called: HUWE1-related condition.
Inborn genetic diseases. Identifiers: MedGen C0950123, MeSH D030342.

Allele frequency attached by ClinVar (database versions not stated): ESP Exome Variant Server 0.00049; gnomAD 0.00054; ExAC 0.00056; 1000 Genomes Project 30x 0.00062; TOPMed 0.00083.
gnomAD v4.1: 431 of 1,139,491 alleles (0.038%); highest among the groups gnomAD compares: African/African-American, 0.15%; 1 homozygote.

Submissions (7):

Labcorp Genetics (formerly Invitae), Labcorp
Classification: Benign. Last evaluated: 2026-01-26. Review status: criteria provided, single submitter. Criteria: Invitae Variant Classification Sherloc (09022015). Collection method: clinical testing. Allele origin: germline.

Blueprint Genetics
Classification: Benign. Last evaluated: 2024-09-16. Review status: criteria provided, single submitter. Criteria: ACMG Guidelines, 2015. Collection method: clinical testing. Allele origin: germline.

CeGaT Center for Human Genetics Tuebingen
Classification: Likely benign. Last evaluated: 2023-03-01. Review status: criteria provided, single submitter. Criteria: CeGaT Center For Human Genetics Tuebingen Variant Classification Criteria Version 2. Collection method: clinical testing. Allele origin: germline. Affected: yes. Observed: 1 variant allele.
Comment: HUWE1: BP4, BS2

GeneDx
Classification: Benign. Last evaluated: 2020-05-19. Review status: criteria provided, single submitter. Criteria: GeneDx Variant Classification Process June 2021. Collection method: clinical testing. Allele origin: germline. Affected: yes.

Ambry Genetics
Classification: Benign for Inborn genetic diseases. Last evaluated: 2018-01-24. Review status: criteria provided, single submitter. Criteria: Ambry Variant Classification Scheme 2023. Collection method: clinical testing. Allele origin: germline.

Breakthrough Genomics
Classification: Benign. Review status: criteria provided, single submitter. Criteria: ACMG Guidelines, 2015. Collection method: not provided. Allele origin: germline. Inheritance: X-linked inheritance. Affected: yes.

PreventionGenetics, part of Exact Sciences
Classification: Likely benign for HUWE1-related condition. Last evaluated: 2023-12-05. Review status: no assertion criteria provided. Collection method: clinical testing. Allele origin: germline. Not counted in ClinVar's aggregate classification.
Comment: This variant is classified as likely benign based on ACMG/AMP sequence variant interpretation guidelines (Richards et al. 2015 PMID: 25741868, with internal and published modifications).

NM_031407.7(HUWE1):c.1242+4C>T

Gene: HUWE1 (HECT, UBA and WWE domain containing E3 ubiquitin protein ligase 1; minus strand). Cytogenetic location: Xp11.22.
Variant type: single nucleotide variant.
Coding change: c.1242+4C>T on transcript NM_031407.7 (MANE Select); 4 bases into the intron after coding-DNA position 1242, C replaced by T.
Molecular consequence: intron variant.
Genome position (GRCh38, 1-based): chrX:53,628,489, G>A on the plus strand (C>T on the coding strand, the complement: HUWE1 is on the minus strand). VCF-style: chrX-53628489-G-A. GRCh37 (hg19) VCF-style: chrX-53655440-G-A.
Identifiers: ClinVar variation 724713 (VCV000724713.37), dbSNP rs377286362, ClinGen allele CA10422962.